The following is an entry in ClinVar:

ClinVar aggregate classification (germline): Uncertain significance (1 of 4 stars; one submission).

Conditions:
Intellectual disability-facial dysmorphism syndrome due to SETD5 haploinsufficiency (MRD23). Also called: Intellectual developmental disorder, autosomal dominant 23. Identifiers: Orphanet 404440, MedGen C3810406, MONDO:0014336, OMIM 615761.

Submission:

OLLIN Analises Genomicas, OLLIN
Classification: Uncertain significance for Intellectual disability-facial dysmorphism syndrome due to SETD5 haploinsufficiency. Last evaluated: 2026-08-06. Review status: criteria provided, single submitter. Criteria: ACMG Guidelines 2015 PMID 25741868. Collection method: clinical testing. Allele origin: germline. Inheritance: Autosomal dominant inheritance.
Comment: This variant is absent from gnomAD and ClinVar and has not been found in the scientific literature. According to the currently available evidence, this variant has been classified as uncertain significance (PM2_P).

NM_001080517.3(SETD5):c.3497+4A>G

Gene: SETD5 (SET domain containing 5; plus strand). Cytogenetic location: 3p25.3.
Variant type: single nucleotide variant.
Coding change: c.3497+4A>G on transcript NM_001080517.3 (MANE Select); 4 bases into the intron after coding-DNA position 3497, A replaced by G.
Molecular consequence: intron variant.
Genome position (GRCh38, 1-based): chr3:9,473,541, A>G. VCF-style: chr3-9473541-A-G. GRCh37 (hg19) VCF-style: chr3-9515225-A-G.
Other names: c.3554+4A>G (NM_001437643.1); c.3203+4A>G (NM_001349451.2, NM_001292043.2); c.3593+4A>G (NM_001437633.1); c.3611+4A>G (NM_001437635.1); c.3536+4A>G (NM_001437701.1).
Identifiers: ClinVar variation 5002895 (VCV005002895.1).